The following is an entry in ClinVar:

NM_000090.4(COL3A1):c.2525C>T (p.Ala842Val)

Gene: COL3A1 (collagen type III alpha 1 chain; plus strand). Cytogenetic location: 2q32.2.
Variant type: single nucleotide variant.
Coding change: c.2525C>T on transcript NM_000090.4 (MANE Select); coding-DNA position 2525, C replaced by T.
Protein change: p.Ala842Val; replaces alanine 842 with valine.
Molecular consequence: missense variant.
Genome position (GRCh38, 1-based): chr2:189,003,034, C>T. VCF-style: chr2-189003034-C-T. GRCh37 (hg19) VCF-style: chr2-189867760-C-T.
Other names: short protein forms A842V.
Identifiers: ClinVar variation 2724243 (VCV002724243.4), dbSNP rs1688502279, ClinGen allele CA349842856.

ClinVar aggregate classification (germline): Uncertain significance. Review status: criteria provided, multiple submitters, no conflicts (2 of 4 stars). 2 submissions from 2 submitters: Uncertain significance (2). Last evaluated 2025-10-21.

Conditions:
Familial thoracic aortic aneurysm and aortic dissection (TAAD). Also called: Thoracic aortic aneurysms and dissections. Identifiers: Orphanet 91387, MedGen C4707243, MONDO:0019625.
Ehlers-Danlos syndrome, type 4 (EDSVASC). Also called: Ehlers-Danlos Syndrome Type IV; Ehlers-Danlos syndrome vascular type; Ehlers Danlos syndrome, ecchymotic type; Ehlers Danlos syndrome, arterial type; Ehlers Danlos syndrome, Sack-Barabas type. Identifiers: Orphanet 286, MedGen C0268338, MONDO:0017314, OMIM 130050.

Allele frequency attached by ClinVar (database versions not stated): gnomAD exomes below 0.00001; TOPMed below 0.00001.
gnomAD v4.1: 5 of 1,551,456 alleles (0.00032%); highest among the groups gnomAD compares: Non-Finnish European, 0.00044%; no homozygotes.

Submissions (2):

Labcorp Genetics (formerly Invitae), Labcorp
Classification: Uncertain significance for Ehlers-Danlos syndrome, type 4. Last evaluated: 2025-10-21. Review status: criteria provided, single submitter. Criteria: Invitae Variant Classification Sherloc (09022015). Collection method: clinical testing. Allele origin: germline.
Comment: This sequence change replaces alanine, which is neutral and non-polar, with valine, which is neutral and non-polar, at codon 842 of the COL3A1 protein (p.Ala842Val). This variant is not present in population databases (gnomAD no frequency). This variant has not been reported in the literature in individuals affected with COL3A1-related conditions. ClinVar contains an entry for this variant (Variation ID: 2724243). Invitae Evidence Modeling of protein sequence and biophysical properties (such as structural, functional, and spatial information, amino acid conservation, physicochemical variation, residue mobility, and thermodynamic stability) indicates that this missense variant is not expected to disrupt COL3A1 protein function with a negative predictive value of 95%. In summary, the available evidence is currently insufficient to determine the role of this variant in disease. Therefore, it has been classified as a Variant of Uncertain Significance.

Color Diagnostics, LLC DBA Color Health
Classification: Uncertain significance for Familial thoracic aortic aneurysm and aortic dissection. Last evaluated: 2025-03-31. Review status: criteria provided, single submitter. Criteria: ACMG Guidelines, 2015. Collection method: clinical testing. Allele origin: germline.
Comment: This missense variant replaces alanine with valine at codon 842 of the COL3A1 protein. Computational prediction suggests that this variant may not impact protein structure and function. To our knowledge, functional studies have not been reported for this variant. This variant has not been reported in individuals affected with COL3A1-related disorders in the literature. This variant has not been identified in the general population by the Genome Aggregation Database (gnomAD). The available evidence is insufficient to determine the role of this variant in disease conclusively. Therefore, this variant is classified as a Variant of Uncertain Significance.